The following is an entry in ClinVar:

NM_015884.4(MBTPS2):c.702G>T (p.Leu234Phe)

Gene: MBTPS2 (membrane bound transcription factor peptidase, site 2; plus strand). Cytogenetic location: Xp22.12.
Variant type: single nucleotide variant.
Coding change: c.702G>T on transcript NM_015884.4 (MANE Select); coding-DNA position 702, G replaced by T.
Protein change: p.Leu234Phe; replaces leucine 234 with phenylalanine.
Molecular consequence: missense variant.
Genome position (GRCh38, 1-based): chrX:21,868,498, G>T. VCF-style: chrX-21868498-G-T. GRCh37 (hg19) VCF-style: chrX-21886616-G-T.
Other names: short protein forms L234F.
Identifiers: ClinVar variation 2710172 (VCV002710172.4), dbSNP rs748295304, ClinGen allele CA412567861.

ClinVar aggregate classification (germline): Uncertain significance (1 of 4 stars; one submission).

Submissions (2):

Labcorp Genetics (formerly Invitae), Labcorp
Classification: Uncertain significance. Last evaluated: 2024-01-28. Review status: criteria provided, single submitter. Criteria: Invitae Variant Classification Sherloc (09022015). Collection method: clinical testing. Allele origin: germline.
Comment: This sequence change replaces leucine, which is neutral and non-polar, with phenylalanine, which is neutral and non-polar, at codon 234 of the MBTPS2 protein (p.Leu234Phe). This variant is not present in population databases (gnomAD no frequency). This variant has not been reported in the literature in individuals affected with MBTPS2-related conditions. Advanced modeling of protein sequence and biophysical properties (such as structural, functional, and spatial information, amino acid conservation, physicochemical variation, residue mobility, and thermodynamic stability) performed at Invitae indicates that this missense variant is not expected to disrupt MBTPS2 protein function with a negative predictive value of 80%. In summary, the available evidence is currently insufficient to determine the role of this variant in disease. Therefore, it has been classified as a Variant of Uncertain Significance.

Dr. Peter K. Rogan Lab, Western University
No classification provided (evidence only). Condition: Nonpapillary renal cell carcinoma. Review status: no classification provided. Collection method: in vitro. Allele origin: not applicable. Functional consequence: skipped exon. Not counted in ClinVar's aggregate classification.